The following is an entry in ClinVar:

ClinVar aggregate classification (germline): Uncertain significance (1 of 4 stars; one submission).

Conditions:
Autosomal dominant nonsyndromic hearing loss 12. Also called: DEAFNESS, AUTOSOMAL DOMINANT 8. Identifiers: Orphanet 90635, MedGen C1832187, MONDO:0011102, OMIM 601543.
Autosomal recessive nonsyndromic hearing loss 21. Identifiers: Orphanet 90636, MedGen C1863655, MONDO:0011351, OMIM 603629.

Submission:

Juno Genomics, Hangzhou Juno Genomics, Inc
Classification: Uncertain significance for Autosomal dominant nonsyndromic hearing loss 12; Autosomal recessive nonsyndromic hearing loss 21. Review status: criteria provided, single submitter. Criteria: ACMG Guidelines, 2015. Collection method: clinical testing. Allele origin: germline. Affected: yes.
Comment: Absent from controls (or at extremely low frequency if recessive) in Genome Aggregation Database, Exome Sequencing Project, 1000 Genomes Project, or Exome Aggregation Consortium.;Multiple lines of computational evidence support a deleterious effect on the gene or gene product (conservation, evolutionary, splicing impact, etc).

NM_005422.4(TECTA):c.790+4A>G

Genes: TECTA (tectorin alpha; plus strand), TBCEL-TECTA (TBCEL-TECTA readthrough; plus strand). Cytogenetic location: 11q23.3.
Variant type: single nucleotide variant.
Coding change: c.790+4A>G on transcript NM_005422.4 (MANE Select); 4 bases into the intron after coding-DNA position 790, A replaced by G.
Molecular consequence: intron variant.
Genome position (GRCh38, 1-based): chr11:121,113,722, A>G. VCF-style: chr11-121113722-A-G. GRCh37 (hg19) VCF-style: chr11-120984431-A-G.
Other names: c.1747+4A>G (NM_001378761.1).
Identifiers: ClinVar variation 3382504 (VCV003382504.2).